The following is an entry in ClinVar:

ClinVar aggregate classification (germline): Uncertain significance (1 of 4 stars; one submission).

Submission:

Labcorp Genetics (formerly Invitae), Labcorp
Classification: Uncertain significance. Last evaluated: 2022-08-16. Review status: criteria provided, single submitter. Criteria: Invitae Variant Classification Sherloc (09022015). Collection method: clinical testing. Allele origin: germline.
Comment: In summary, the available evidence is currently insufficient to determine the role of this variant in disease. Therefore, it has been classified as a Variant of Uncertain Significance. Advanced modeling of protein sequence and biophysical properties (such as structural, functional, and spatial information, amino acid conservation, physicochemical variation, residue mobility, and thermodynamic stability) performed at Invitae indicates that this missense variant is not expected to disrupt KCNV2 protein function. ClinVar contains an entry for this variant (Variation ID: 970446). This variant has not been reported in the literature in individuals affected with KCNV2-related conditions. This variant is not present in population databases (gnomAD no frequency). This sequence change replaces lysine, which is basic and polar, with asparagine, which is neutral and polar, at codon 215 of the KCNV2 protein (p.Lys215Asn).

NM_133497.4(KCNV2):c.645G>T (p.Lys215Asn)

Gene: KCNV2 (potassium voltage-gated channel modifier subfamily V member 2; plus strand). Cytogenetic location: 9p24.2.
Variant type: single nucleotide variant.
Coding change: c.645G>T on transcript NM_133497.4 (MANE Select); coding-DNA position 645, G replaced by T.
Protein change: p.Lys215Asn; replaces lysine 215 with asparagine.
Molecular consequence: missense variant.
Genome position (GRCh38, 1-based): chr9:2,718,384, G>T. VCF-style: chr9-2718384-G-T. GRCh37 (hg19) VCF-style: chr9-2718384-G-T.
Other names: short protein forms K215N.
Identifiers: ClinVar variation 970446 (VCV000970446.10), dbSNP rs201327014, ClinGen allele CA372798594.